The following is an entry in ClinVar:

NM_177398.4(LMX1A):c.390_391delinsAT (p.Lys131Ter)

Gene: LMX1A (LIM homeobox transcription factor 1 alpha; minus strand). Cytogenetic location: 1q23.3.
Variant type: Indel.
Coding change: c.390_391delinsAT on transcript NM_177398.4 (MANE Select); coding-DNA positions 390 to 391, GA replaced by AT.
Protein change: p.Lys131Ter; replaces lysine 131 with a stop codon.
Molecular consequence: nonsense.
Genome position (GRCh38, 1-based): chr1:165,249,513-165,249,514, TC replaced by AT on the plus strand (GA replaced by AT on the coding strand, the reverse complement: LMX1A is on the minus strand). VCF-style: chr1-165249513-TC-AT. GRCh37 (hg19) VCF-style: chr1-165218750-TC-AT.
Other names: c.390_391delinsAT, p.Lys131Ter (NM_001174069.2); short protein forms K131*.
Identifiers: ClinVar variation 4813826 (VCV004813826.1).

ClinVar aggregate classification (germline): Likely pathogenic (1 of 4 stars; one submission).

Conditions:
Autosomal dominant nonsyndromic hearing loss 7. Also called: Deafness, autosomal dominant 7. Identifiers: Orphanet 90635, MedGen C1832379, MONDO:0011074, OMIM 601412.

Submission:

Variantyx, Inc.
Classification: Likely pathogenic for Autosomal dominant nonsyndromic hearing loss 7. Last evaluated: 2025-12-03. Review status: criteria provided, single submitter. Criteria: Variantyx Assertion Criteria 2022. Collection method: clinical testing. Allele origin: germline. Inheritance: Autosomal dominant inheritance. Affected: yes.
Comment: This is a nonsense variant in the LMX1A gene (OMIM: 600298). Pathogenic variants in this gene have been associated with autosomal dominant deafness 7. This variant introduces a premature termination codon in exon 3 out of 8 and is expected to result in loss of function, which is a known disease mechanism for LMX1A in this disorder (PMID: 36140227) (PVS1). This variant is absent from control populations (PM2). This variant has not been reported in individuals with LMX1A-related disorders in the databases available for review. Based on the current evidence, this variant is classified as likely pathogenic for autosomal dominant deafness 7.

Literature cited by the submitters: PubMed 36140227.